The following is an entry in ClinVar:

ClinVar aggregate classification (germline): Pathogenic. Review status: no assertion criteria provided (0 of 4 stars). 2 submissions from 2 submitters: Pathogenic (2). Last evaluated 2014-11-06.

Conditions:
PURA-related severe neonatal hypotonia-seizures-encephalopathy syndrome (NEDRIHF). Also called: PURA-Related Neurodevelopmental Disorders; NEURODEVELOPMENTAL DISORDER WITH NEONATAL RESPIRATORY INSUFFICIENCY, HYPOTONIA, AND FEEDING DIFFICULTIES. Identifiers: Orphanet 438213, Orphanet 438216, MedGen C4015357, MONDO:1060108, OMIM 616158, MONDO:0018580.
Global developmental delay (DD). Also called: Cognitive delay. Identifiers: MedGen C0557874, HP:0001263. Disease mechanism: loss of function.
Delayed speech and language development. Also called: Language delay. Identifiers: MedGen C0454644, HP:0000750.
Seizure. Also called: Seizures. Identifiers: MedGen C0036572, HP:0001250.
Neonatal hypotonia. Identifiers: MedGen C2267233, HP:0001319.
Intellectual disability. Also called: Intellectual developmental disorder; Intellectual functioning disability; intellectual disabilities. Identifiers: MedGen C3714756, MeSH D008607, MONDO:0001071, HP:0001249.

Submissions (2):

OMIM
Classification: Pathogenic for NEURODEVELOPMENTAL DISORDER WITH NEONATAL RESPIRATORY INSUFFICIENCY, HYPOTONIA, AND FEEDING DIFFICULTIES. Last evaluated: 2014-11-06. Review status: no assertion criteria provided. Collection method: literature only. Allele origin: germline.

Whole genome laboratory; Baylor College of Medicine
Classification: Pathogenic for Neonatal hypotonia; Delayed speech and language development; Intellectual disability; Global developmental delay; Seizures. Last evaluated: 2014-09-15. Review status: no assertion criteria provided. Collection method: clinical testing. Allele origin: germline. Affected: yes. Observed: 1 variant allele. Study: Clinical exome sequencing test.
Comment: Sporadic neonatal hypotonia, developmental delay, speech impairment, sleep apnea, and intellectual disability

Literature cited by the submitters: PubMed 25439098 (cited by OMIM).

NM_005859.5(PURA):c.556C>T (p.Gln186Ter)

Gene: PURA (purine rich element binding protein A; plus strand). Cytogenetic location: 5q31.3.
Variant type: single nucleotide variant.
Coding change: c.556C>T on transcript NM_005859.5 (MANE Select); coding-DNA position 556, C replaced by T.
Protein change: p.Gln186Ter; replaces glutamine 186 with a stop codon.
Molecular consequence: nonsense.
Genome position (GRCh38, 1-based): chr5:140,114,737, C>T. VCF-style: chr5-140114737-C-T. GRCh37 (hg19) VCF-style: chr5-139494322-C-T.
Other names: short protein forms Q186*.
Identifiers: ClinVar variation 156405 (VCV000156405.2), dbSNP rs587782993, ClinGen allele CA174992.